The following is an entry in ClinVar:

NM_004958.4(MTOR):c.5043G>A (p.Pro1681=)

Gene: MTOR (mechanistic target of rapamycin kinase; minus strand). Cytogenetic location: 1p36.22.
Variant type: single nucleotide variant.
Coding change: c.5043G>A on transcript NM_004958.4 (MANE Select); coding-DNA position 5043, G replaced by A.
Protein change: p.Pro1681=; no amino-acid change (proline 1681 retained).
Molecular consequence: synonymous variant.
Genome position (GRCh38, 1-based): chr1:11,139,391, C>T on the plus strand (G>A on the coding strand, the complement: MTOR is on the minus strand). VCF-style: chr1-11139391-C-T. GRCh37 (hg19) VCF-style: chr1-11199448-C-T.
Other names: p.Pro1681=; c.5043G>A (LRG_734t1).
Identifiers: ClinVar variation 414909 (VCV000414909.17), dbSNP rs55774271, ClinGen allele CA589464.

ClinVar aggregate classification (germline): Benign/Likely benign. Review status: criteria provided, multiple submitters, no conflicts (2 of 4 stars). 4 submissions from 4 submitters: Benign (2); Likely benign (2). Last evaluated 2026-02-02.

Allele frequency attached by ClinVar (database versions not stated): gnomAD 0.01068 and 0.01141; TOPMed 0.01167; 1000 Genomes Project 0.01218; ESP Exome Variant Server 0.01223; 1000 Genomes Project 30x 0.01265.
gnomAD v4.1: 3,538 of 1,613,860 alleles (0.22%); highest among the groups gnomAD compares: African/African-American, 3.8%; 57 homozygotes.

Submissions (4):

Labcorp Genetics (formerly Invitae), Labcorp
Classification: Benign. Last evaluated: 2026-02-02. Review status: criteria provided, single submitter. Criteria: Invitae Variant Classification Sherloc (09022015). Collection method: clinical testing. Allele origin: germline.

Mayo Clinic Laboratories, Mayo Clinic
Classification: Benign. Last evaluated: 2024-07-18. Review status: criteria provided, single submitter. Criteria: ACMG Guidelines, 2015. Collection method: clinical testing. Allele origin: germline. Observed: 3 variant alleles.
Comment: BA1, BS2, BP4, BP7

GeneDx
Classification: Likely benign. Last evaluated: 2020-12-03. Review status: criteria provided, single submitter. Criteria: GeneDx Variant Classification Process June 2021. Collection method: clinical testing. Allele origin: germline. Affected: yes.

Breakthrough Genomics
Classification: Likely benign. Review status: criteria provided, single submitter. Criteria: ACMG Guidelines, 2015. Collection method: not provided. Allele origin: germline. Inheritance: Autosomal dominant inheritance. Affected: yes.